The following is an entry in ClinVar:

ClinVar aggregate classification (germline): Uncertain significance. Review status: criteria provided, multiple submitters, no conflicts (2 of 4 stars). 2 submissions from 2 submitters: Uncertain significance (2). Last evaluated 2025-11-26.

Conditions:
Drash syndrome (DDS). Also called: NEPHROPATHY, WILMS TUMOR, AND GENITAL ANOMALIES; WILMS TUMOR AND PSEUDO- OR TRUE HERMAPHRODITISM. Identifiers: Orphanet 220, MedGen C0950121, MONDO:0008682, OMIM 194080.
Wilms tumor 1 (WT1). Also called: Wilms tumor, somatic. Identifiers: Orphanet 654, MedGen CN033288, MONDO:0008679, OMIM 194070.
11p partial monosomy syndrome (WAGR). Also called: WAGR Complex; WAGR syndrome; CHROMOSOME 11p13 DELETION SYNDROME; WAGR Spectrum Disorder. Identifiers: Orphanet 893, MedGen C0206115, MONDO:0008681, OMIM 194072.
Frasier syndrome. Identifiers: Orphanet 347, MedGen C0950122, MeSH D052159, MONDO:0007635, OMIM 136680.
Inborn genetic diseases. Identifiers: MedGen C0950123, MeSH D030342.

gnomAD v4.1: 4 of 1,613,758 alleles (0.00025%); highest among the groups gnomAD compares: Non-Finnish European, 0.00025%; no homozygotes.

Submissions (2):

Ambry Genetics
Classification: Uncertain significance for Inborn genetic diseases. Last evaluated: 2025-11-26. Review status: criteria provided, single submitter. Criteria: Ambry Variant Classification Scheme 2023. Collection method: clinical testing. Allele origin: germline.
Comment: The p.G224R variant (also known as c.670G>C), located in coding exon 2 of the WT1 gene, results from a G to C substitution at nucleotide position 670. The glycine at codon 224 is replaced by arginine, an amino acid with dissimilar properties. This amino acid position is well conserved in available vertebrate species. In addition, this alteration is predicted to be deleterious by in silico analysis. Based on the available evidence, the clinical significance of this variant remains unclear.

Labcorp Genetics (formerly Invitae), Labcorp
Classification: Uncertain significance for Wilms tumor 1; Drash syndrome; 11p partial monosomy syndrome; Frasier syndrome. Last evaluated: 2023-02-24. Review status: criteria provided, single submitter. Criteria: Invitae Variant Classification Sherloc (09022015). Collection method: clinical testing. Allele origin: germline.
Comment: In summary, the available evidence is currently insufficient to determine the role of this variant in disease. Therefore, it has been classified as a Variant of Uncertain Significance. An algorithm developed to predict the effect of missense changes on protein structure and function (PolyPhen-2) suggests that this variant is likely to be disruptive. ClinVar contains an entry for this variant (Variation ID: 1381585). This variant has not been reported in the literature in individuals affected with WT1-related conditions. This variant is not present in population databases (gnomAD no frequency). This sequence change replaces glycine, which is neutral and non-polar, with arginine, which is basic and polar, at codon 224 of the WT1 protein (p.Gly224Arg).

NM_024426.6(WT1):c.685G>C (p.Gly229Arg)

Gene: WT1 (WT1 transcription factor; minus strand). Cytogenetic location: 11p13.
Variant type: single nucleotide variant.
Coding change: c.685G>C on transcript NM_024426.6 (MANE Select); coding-DNA position 685, G replaced by C.
Protein change: p.Gly229Arg; replaces glycine 229 with arginine.
Molecular consequence: missense variant. On other transcripts: non-coding transcript variant (1).
Genome position (GRCh38, 1-based): chr11:32,428,596, C>G on the plus strand (G>C on the coding strand, the complement: WT1 is on the minus strand). VCF-style: chr11-32428596-C-G. GRCh37 (hg19) VCF-style: chr11-32450142-C-G.
Other names: c.670G>C (NM_024426.4); c.685G>C, p.Gly229Arg (NM_000378.6, NM_001407044.1, NM_001407045.1 and 4 more transcripts); c.34G>C, p.Gly12Arg (NM_001198551.2, NM_001198552.2); c.-78G>C (NM_001407051.1); c.670G>C, p.Gly224Arg (NM_024425.2); short protein forms G229R, G12R, G224R.
Identifiers: ClinVar variation 1381585 (VCV001381585.10), dbSNP rs767419243, ClinGen allele CA379963550.